The following is an entry in ClinVar:

ClinVar aggregate classification (germline): Uncertain significance. Review status: criteria provided, multiple submitters, no conflicts (2 of 4 stars). 2 submissions from 2 submitters: Uncertain significance (2). Last evaluated 2026-09-11.

Conditions:
Cardiovascular phenotype. Identifiers: MedGen CN230736.
Ehlers-Danlos syndrome, classic type, 1 (EDSCL1). Also called: EDS I; Ehlers-Danlos Syndrome, Classic Type, COL5A1-Related; EHLERS-DANLOS SYNDROME, GRAVIS TYPE; EHLERS-DANLOS SYNDROME, SEVERE CLASSIC TYPE; Ehlers-Danlos syndrome, type 1. Identifiers: MedGen C0268335, MONDO:0019567, OMIM 130000.
Osteogenesis imperfecta type I (OI1). Also called: Lobstein disease; OI, TYPE I; OSTEOGENESIS IMPERFECTA TARDA; OSTEOGENESIS IMPERFECTA WITH BLUE SCLERAE; Osteogenesis imperfecta type 1; Lobstein's Disease. Identifiers: Orphanet 216796, Orphanet 666, MedGen C0023931, MONDO:0008146, OMIM 166200. Disease mechanism: loss of function.

Submissions (2):

Ambry Genetics
Classification: Uncertain significance for Cardiovascular phenotype. Last evaluated: 2026-09-11. Review status: criteria provided, single submitter. Criteria: Ambry Variant Classification Scheme 2023. Collection method: clinical testing. Allele origin: germline.

Labcorp Genetics (formerly Invitae), Labcorp
Classification: Uncertain significance for Osteogenesis imperfecta type I; Ehlers-Danlos syndrome, classic type, 1. Last evaluated: 2024-10-07. Review status: criteria provided, single submitter. Criteria: Invitae Variant Classification Sherloc (09022015). Collection method: clinical testing. Allele origin: germline.
Comment: This sequence change replaces proline, which is neutral and non-polar, with histidine, which is basic and polar, at codon 935 of the COL1A2 protein (p.Pro935His). This variant is not present in population databases (gnomAD no frequency). This variant has not been reported in the literature in individuals affected with COL1A2-related conditions. Invitae Evidence Modeling of protein sequence and biophysical properties (such as structural, functional, and spatial information, amino acid conservation, physicochemical variation, residue mobility, and thermodynamic stability) has been performed for this missense variant. However, the output from this modeling did not meet the statistical confidence thresholds required to predict the impact of this variant on COL1A2 protein function. In summary, the available evidence is currently insufficient to determine the role of this variant in disease. Therefore, it has been classified as a Variant of Uncertain Significance.

NM_000089.4(COL1A2):c.2804C>A (p.Pro935His)

Gene: COL1A2 (collagen type I alpha 2 chain; plus strand). Cytogenetic location: 7q21.3.
Variant type: single nucleotide variant.
Coding change: c.2804C>A on transcript NM_000089.4 (MANE Select); coding-DNA position 2804, C replaced by A.
Protein change: p.Pro935His; replaces proline 935 with histidine.
Molecular consequence: missense variant.
Genome position (GRCh38, 1-based): chr7:94,425,632, C>A. VCF-style: chr7-94425632-C-A. GRCh37 (hg19) VCF-style: chr7-94054944-C-A.
Other names: short protein forms P935H.
Identifiers: ClinVar variation 3750496 (VCV003750496.3).